The following is an entry in ClinVar:

ClinVar aggregate classification (germline): Pathogenic/Likely pathogenic. Review status: criteria provided, multiple submitters, no conflicts (2 of 4 stars). 2 submissions from 2 submitters: Pathogenic (1); Likely pathogenic (1). Last evaluated 2021-03-26.

Conditions:
Charcot-Marie-Tooth disease recessive intermediate C. Also called: CHARCOT-MARIE-TOOTH NEUROPATHY, RECESSIVE INTERMEDIATE C. Identifiers: Orphanet 369867, MedGen C3809309, MONDO:0014154, OMIM 615376.
Neuronopathy, distal hereditary motor, autosomal recessive 4. Also called: Autosomal recessive lower motor neuron disease with childhood onset; NEUROPATHY, DISTAL HEREDITARY MOTOR, AUTOSOMAL RECESSIVE 4. Identifiers: Orphanet 206580, MedGen C1970211, MONDO:0012608, OMIM 611067.

gnomAD v4.1: 2 of 1,613,964 alleles (0.00012%); highest among the groups gnomAD compares: Non-Finnish European, 0.00017%; no homozygotes.

Submissions (2):

Labcorp Genetics (formerly Invitae), Labcorp
Classification: Pathogenic for Neuronopathy, distal hereditary motor, autosomal recessive 4; Charcot-Marie-Tooth disease recessive intermediate C. Last evaluated: 2021-03-26. Review status: criteria provided, single submitter. Criteria: Invitae Variant Classification Sherloc (09022015). Collection method: clinical testing. Allele origin: germline.
Comment: For these reasons, this variant has been classified as Pathogenic. Algorithms developed to predict the effect of sequence changes on RNA splicing suggest that this variant may create or strengthen a splice site, but this prediction has not been confirmed by published transcriptional studies. This variant has not been reported in the literature in individuals with PLEKHG5-related conditions. This variant is present in population databases (rs760122001, ExAC 0.002%). This sequence change creates a premature translational stop signal (p.Glu580*) in the PLEKHG5 gene. It is expected to result in an absent or disrupted protein product. Loss-of-function variants in PLEKHG5 are known to be pathogenic (PMID: 17564964).

Mayo Clinic Laboratories, Mayo Clinic
Classification: Likely pathogenic. Last evaluated: 2020-01-13. Review status: criteria provided, single submitter. Criteria: ACMG Guidelines, 2015. Collection method: clinical testing. Allele origin: germline. Observed: 1 variant allele.
Comment: PVS1, PM2

Literature cited by the submitters: PubMed 17564964 (cited by Labcorp Genetics (formerly Invitae), Labcorp).

NM_020631.6(PLEKHG5):c.1738G>T (p.Glu580Ter)

Gene: PLEKHG5 (pleckstrin homology and RhoGEF domain containing G5; minus strand). Cytogenetic location: 1p36.31.
Variant type: single nucleotide variant.
Coding change: c.1738G>T on transcript NM_020631.6 (MANE Select); coding-DNA position 1738, G replaced by T.
Protein change: p.Glu580Ter; replaces glutamic acid 580 with a stop codon.
Molecular consequence: nonsense.
Genome position (GRCh38, 1-based): chr1:6,470,298, C>A on the plus strand (G>T on the coding strand, the complement: PLEKHG5 is on the minus strand). VCF-style: chr1-6470298-C-A. GRCh37 (hg19) VCF-style: chr1-6530358-C-A.
Other names: c.1849G>T, p.Glu617Ter (NM_001042663.3, NM_001265592.2); c.1738G>T, p.Glu580Ter (NM_001042664.2, NM_001042665.2, NM_001265594.3 and 1 more transcripts); c.1945G>T, p.Glu649Ter (NM_001265593.2); short protein forms E580*, E617*, E649*.
Identifiers: ClinVar variation 1163123 (VCV001163123.10), dbSNP rs760122001, ClinGen allele CA561385.